The following is an entry in ClinVar:

NM_000368.5(TSC1):c.1252C>T (p.Pro418Ser)

Gene: TSC1 (TSC complex subunit 1; minus strand). Cytogenetic location: 9q34.13.
Variant type: single nucleotide variant.
Coding change: c.1252C>T on transcript NM_000368.5 (MANE Select); coding-DNA position 1252, C replaced by T.
Protein change: p.Pro418Ser; replaces proline 418 with serine.
Molecular consequence: missense variant.
Genome position (GRCh38, 1-based): chr9:132,910,582, G>A on the plus strand (C>T on the coding strand, the complement: TSC1 is on the minus strand). VCF-style: chr9-132910582-G-A. GRCh37 (hg19) VCF-style: chr9-135785969-G-A.
Other names: c.1249C>T, p.Pro417Ser (NM_001162426.2); c.1099C>T, p.Pro367Ser (NM_001162427.2); c.889C>T, p.Pro297Ser (NM_001362177.2); short protein forms P417S, P297S, P367S, P418S.
Identifiers: ClinVar variation 955745 (VCV000955745.10), dbSNP rs1845895299, ClinGen allele CA375366750.
Genomic context (GRCh38, chr9:132,910,582, plus strand): 5'-GTGAGTCACTGTGCCTGGGCAGAGGGATAGCAGACGAGCTGGATCGCACCTTCCTGGGGG[G>A]TGTGACTGTGGCCTGGGGGAGTGAAATGTGCACGTAGTCATCCGAATGACAGAGTGGGGC-3'
Protein context (NP_000359.1, residues 408-428): HISLPQATVT[Pro418Ser]PRKEERMDSA

ClinVar aggregate classification (germline): Uncertain significance. Review status: criteria provided, multiple submitters, no conflicts (2 of 4 stars). 2 submissions from 2 submitters: Uncertain significance (2). Last evaluated 2023-11-23.

Conditions:
Hereditary cancer-predisposing syndrome. Also called: Hereditary neoplastic syndrome; Tumor predisposition; Neoplastic Syndromes, Hereditary; Hereditary Cancer Syndrome. Identifiers: Orphanet 140162, MedGen C0027672, MeSH D009386, MONDO:0015356.
Tuberous sclerosis 1 (TSC1). Identifiers: Orphanet 805, MedGen C1854465, MONDO:0008612, OMIM 191100.

Allele frequency attached by ClinVar (database versions not stated): gnomAD exomes below 0.00001.
gnomAD v4.1: 1 of 1,614,074 alleles (0.000062%); highest among the groups gnomAD compares: Non-Finnish European, 0.000085%; no homozygotes.

Submissions (2):

Ambry Genetics
Classification: Uncertain significance for Hereditary cancer-predisposing syndrome. Last evaluated: 2023-11-23. Review status: criteria provided, single submitter. Criteria: Ambry Variant Classification Scheme 2023. Collection method: clinical testing. Allele origin: germline.
Comment: The p.P418S variant (also known as c.1252C>T), located in coding exon 10 of the TSC1 gene, results from a C to T substitution at nucleotide position 1252. The proline at codon 418 is replaced by serine, an amino acid with similar properties. This amino acid position is conserved. In addition, this alteration is predicted to be tolerated by in silico analysis. Since supporting evidence is limited at this time, the clinical significance of this alteration remains unclear.

Labcorp Genetics (formerly Invitae), Labcorp
Classification: Uncertain significance for Tuberous sclerosis 1. Last evaluated: 2020-06-13. Review status: criteria provided, single submitter. Criteria: Invitae Variant Classification Sherloc (09022015). Collection method: clinical testing. Allele origin: germline.
Comment: In summary, the available evidence is currently insufficient to determine the role of this variant in disease. Therefore, it has been classified as a Variant of Uncertain Significance. Algorithms developed to predict the effect of missense changes on protein structure and function (SIFT, PolyPhen-2, Align-GVGD) all suggest that this variant is likely to be tolerated, but these predictions have not been confirmed by published functional studies and their clinical significance is uncertain. This variant has not been reported in the literature in individuals with TSC1-related conditions. This variant is not present in population databases (ExAC no frequency). This sequence change replaces proline with serine at codon 418 of the TSC1 protein (p.Pro418Ser). The proline residue is moderately conserved and there is a moderate physicochemical difference between proline and serine.